The following is an entry in ClinVar:

NM_001395413.1(POR):c.1727G>A (p.Arg576Gln)

Gene: POR (cytochrome p450 oxidoreductase; plus strand). Cytogenetic location: 7q11.23.
Variant type: single nucleotide variant.
Coding change: c.1727G>A on transcript NM_001395413.1 (MANE Select); coding-DNA position 1727, G replaced by A.
Protein change: p.Arg576Gln; replaces arginine 576 with glutamine.
Molecular consequence: missense variant.
Genome position (GRCh38, 1-based): chr7:75,985,989, G>A. VCF-style: chr7-75985989-G-A. GRCh37 (hg19) VCF-style: chr7-75615307-G-A.
Other names: c.1727G>A, p.Arg576Gln (NM_001367562.3, NM_001382657.2, NM_001382658.3 and 1 more transcripts); c.1781G>A, p.Arg594Gln (NM_001382655.3); c.1577G>A, p.Arg526Gln (NM_001382662.3); c.1736G>A (NM_000941.2); short protein forms R526Q, R576Q, R594Q.
Identifiers: ClinVar variation 3897512 (VCV003897512.1).

ClinVar aggregate classification (germline): Uncertain significance (1 of 4 stars; one submission).

gnomAD v4.1: 55 of 1,576,806 alleles (0.0035%); highest among the groups gnomAD compares: African/African-American, 0.0081%; no homozygotes.

Submission:

GeneDx
Classification: Uncertain significance. Last evaluated: 2024-10-30. Review status: criteria provided, single submitter. Criteria: GeneDx Variant Classification Process June 2021. Collection method: clinical testing. Allele origin: germline. Affected: yes.
Comment: In silico analysis indicates that this missense variant does not alter protein structure/function; Has not been previously published as pathogenic or benign to our knowledge